The following is an entry in ClinVar:

ClinVar aggregate classification (germline): Uncertain significance (1 of 4 stars; one submission).

Conditions:
Episodic kinesigenic dyskinesia (EKD). Also called: Paroxysmal kinesigenic dyskinesia. Identifiers: Orphanet 98809, MedGen C1868682, MONDO:0044202.

Submission:

Labcorp Genetics (formerly Invitae), Labcorp
Classification: Uncertain significance for Episodic kinesigenic dyskinesia. Last evaluated: 2023-04-03. Review status: criteria provided, single submitter. Criteria: Invitae Variant Classification Sherloc (09022015). Collection method: clinical testing. Allele origin: germline.
Comment: This sequence change affects a donor splice site in intron 3 of the PRRT2 gene. While this variant is not anticipated to result in nonsense mediated decay, it likely alters RNA splicing and results in a disrupted protein product. This variant is not present in population databases (gnomAD no frequency). Disruption of this splice site has been observed in individuals with paroxysmal kinesigenic dyskinesia, or clinical features of familial hemiplegic migraine (PMID: 32392383; Invitae). Variants that disrupt the consensus splice site are a relatively common cause of aberrant splicing (PMID: 17576681, 9536098). Algorithms developed to predict the effect of sequence changes on RNA splicing suggest that this variant may disrupt the consensus splice site. In summary, the available evidence is currently insufficient to determine the role of this variant in disease. Therefore, it has been classified as a Variant of Uncertain Significance.

Literature cited by the submitters: PubMed 32392383; PubMed 17576681; PubMed 9536098.

NM_145239.3(PRRT2):c.1012+2T>G

Genes: MVP-DT (MVP divergent transcript; minus strand), PRRT2 (proline rich transmembrane protein 2; plus strand). Cytogenetic location: 16p11.2.
Variant type: single nucleotide variant.
Coding change: c.1012+2T>G on transcript NM_145239.3 (MANE Select); the canonical splice donor site of the intron after coding-DNA position 1012, T replaced by G.
Molecular consequence: splice donor variant. On other transcripts: synonymous variant (1), 3 prime UTR variant (1).
Genome position (GRCh38, 1-based): chr16:29,814,467, T>G. VCF-style: chr16-29814467-T-G. GRCh37 (hg19) VCF-style: chr16-29825788-T-G.
Other names: c.1014T>G, p.Gly338= (NM_001256442.2); c.*513T>G (NM_001256443.2).
Identifiers: ClinVar variation 2851653 (VCV002851653.3), dbSNP rs2543339500, ClinGen allele CA395480882.